The following is an entry in ClinVar:

NM_001394062.1(MACF1):c.17502A>C (p.Glu5834Asp)

Gene: MACF1 (microtubule actin crosslinking factor 1; plus strand). Cytogenetic location: 1p34.3.
Variant type: single nucleotide variant.
Coding change: c.17502A>C on transcript NM_001394062.1 (MANE Select); coding-DNA position 17502, A replaced by C.
Protein change: p.Glu5834Asp; replaces glutamic acid 5834 with aspartic acid.
Molecular consequence: missense variant.
Genome position (GRCh38, 1-based): chr1:39,433,092, A>C. VCF-style: chr1-39433092-A-C. GRCh37 (hg19) VCF-style: chr1-39898764-A-C.
Other names: c.5571A>C, p.Glu1857Asp (NM_001397473.1); c.11316A>C, p.Glu3772Asp (NM_012090.5); short protein forms E1857D, E3772D, E5834D.
Identifiers: ClinVar variation 4686828 (VCV004686828.1).

ClinVar aggregate classification (germline): Uncertain significance (1 of 4 stars; one submission).

Submission:

GeneDx
Classification: Uncertain significance. Last evaluated: 2025-07-22. Review status: criteria provided, single submitter. Criteria: GeneDx Variant Classification Process June 2021. Collection method: clinical testing. Allele origin: germline. Affected: yes.
Comment: Not observed at significant frequency in large population cohorts (gnomAD); In silico analysis supports that this missense variant has a deleterious effect on protein structure/function; Has not been previously published as pathogenic or benign to our knowledge